The following is an entry in ClinVar:

NM_002691.4(POLD1):c.3089A>C (p.Gln1030Pro)

Gene: POLD1 (DNA polymerase delta 1, catalytic subunit; plus strand). Cytogenetic location: 19q13.33.
Variant type: single nucleotide variant.
Coding change: c.3089A>C on transcript NM_002691.4 (MANE Select); coding-DNA position 3089, A replaced by C.
Protein change: p.Gln1030Pro; replaces glutamine 1030 with proline.
Molecular consequence: missense variant. On other transcripts: non-coding transcript variant (1).
Genome position (GRCh38, 1-based): chr19:50,417,066, A>C. VCF-style: chr19-50417066-A-C. GRCh37 (hg19) VCF-style: chr19-50920323-A-C.
Other names: c.3089A>C, p.Gln1030Pro (NM_001256849.1); c.3167A>C, p.Gln1056Pro (NM_001308632.1); short protein forms Q1030P, Q1056P.
Identifiers: ClinVar variation 1727418 (VCV001727418.2), dbSNP rs2514074622, ClinGen allele CA406987097.
Genomic context (GRCh38, chr19:50,417,066, plus strand): 5'-GCTGGGCCCCAGCACTTGGGCTGACCCGCCTCCCCACAGGAGCCGTGTGTGAGTTCTGCC[A>C]GCCCCGGGAGTCTGAGCTGTATCAGAAGGAGGTGAGAGGGCCGGGAGGTGAGGAGGGGCC-3'
Protein context (NP_002682.2, residues 1020-1040): SHQGAVCEFC[Gln1030Pro]PRESELYQKE

ClinVar aggregate classification (germline): Uncertain significance (1 of 4 stars; one submission).

Conditions:
Hereditary cancer-predisposing syndrome. Also called: Tumor predisposition; Neoplastic Syndromes, Hereditary; Hereditary Cancer Syndrome; Hereditary neoplastic syndrome. Identifiers: Orphanet 140162, MedGen C0027672, MeSH D009386, MONDO:0015356.

Submission:

Ambry Genetics
Classification: Uncertain significance for Hereditary cancer-predisposing syndrome. Last evaluated: 2021-12-11. Review status: criteria provided, single submitter. Criteria: Ambry Variant Classification Scheme 2023. Collection method: clinical testing. Allele origin: germline.
Comment: The p.Q1030P variant (also known as c.3089A>C), located in coding exon 24 of the POLD1 gene, results from an A to C substitution at nucleotide position 3089. The glutamine at codon 1030 is replaced by proline, an amino acid with similar properties. This amino acid position is conserved. In addition, this alteration is predicted to be tolerated by in silico analysis. Since supporting evidence is limited at this time, the clinical significance of this alteration remains unclear.